The following is an entry in ClinVar:

ClinVar aggregate classification (germline): Likely benign (0 of 4 stars; one submission).

Conditions:
ISL1-related disorder. Also called: ISL1-related condition.

gnomAD v4.1: 3 of 1,614,228 alleles (0.00019%); highest among the groups gnomAD compares: Non-Finnish European, 0.00017%; no homozygotes.

Submission:

PreventionGenetics, part of Exact Sciences
Classification: Likely benign for ISL1-related condition. Last evaluated: 2024-05-28. Review status: no assertion criteria provided. Collection method: clinical testing. Allele origin: germline.
Comment: This variant is classified as likely benign based on ACMG/AMP sequence variant interpretation guidelines (Richards et al. 2015 PMID: 25741868, with internal and published modifications).

NM_002202.3(ISL1):c.291C>T (p.Ser97=)

Gene: ISL1 (ISL LIM homeobox 1; plus strand). Cytogenetic location: 5q11.1.
Variant type: single nucleotide variant.
Coding change: c.291C>T on transcript NM_002202.3 (MANE Select); coding-DNA position 291, C replaced by T.
Protein change: p.Ser97=; no amino-acid change (serine 97 retained).
Molecular consequence: synonymous variant.
Genome position (GRCh38, 1-based): chr5:51,387,562, C>T. VCF-style: chr5-51387562-C-T. GRCh37 (hg19) VCF-style: chr5-50683396-C-T.
Identifiers: ClinVar variation 3345508 (VCV003345508.1).